The following is an entry in ClinVar:

NM_004700.4(KCNQ4):c.2028C>T (p.Asp676=)

Gene: KCNQ4 (potassium voltage-gated channel subfamily Q member 4; plus strand). Cytogenetic location: 1p34.2.
Variant type: single nucleotide variant.
Coding change: c.2028C>T on transcript NM_004700.4 (MANE Select); coding-DNA position 2028, C replaced by T.
Protein change: p.Asp676=; no amino-acid change (aspartic acid 676 retained).
Molecular consequence: synonymous variant.
Genome position (GRCh38, 1-based): chr1:40,838,463, C>T. VCF-style: chr1-40838463-C-T. GRCh37 (hg19) VCF-style: chr1-41304135-C-T.
Other names: c.1866C>T, p.Asp622= (NM_172163.3).
Identifiers: ClinVar variation 929965 (VCV000929965.12), dbSNP rs552843990, ClinGen allele CA795059.

ClinVar aggregate classification (germline): Likely benign. Review status: criteria provided, multiple submitters, no conflicts (2 of 4 stars). 5 submissions from 5 submitters: Likely benign (5). Last evaluated 2025-07-10.

Conditions:
Autosomal dominant nonsyndromic hearing loss 2A. Also called: DFNA2 Nonsyndromic Hearing Loss; Deafness, autosomal dominant 2A; Autosomal dominant nonsyndromic deafness 2A. Identifiers: Orphanet 90635, MedGen C2677637, MONDO:0010817, OMIM 600101.

Allele frequency attached by ClinVar (database versions not stated): gnomAD exomes 0.00003 and 0.00010; ExAC 0.00004; gnomAD 0.00009; 1000 Genomes Project 0.00020; TOPMed 0.00020; 1000 Genomes Project 30x 0.00031.
gnomAD v4.1: 61 of 1,614,164 alleles (0.0038%); highest among the groups gnomAD compares: Admixed American, 0.077%; no homozygotes.

Submissions (5):

Labcorp Genetics (formerly Invitae), Labcorp
Classification: Likely benign. Last evaluated: 2025-07-10. Review status: criteria provided, single submitter. Criteria: Invitae Variant Classification Sherloc (09022015). Collection method: clinical testing. Allele origin: germline.

Genome-Nilou Lab
Classification: Likely benign for Autosomal dominant nonsyndromic hearing loss 2A. Last evaluated: 2023-04-11. Review status: criteria provided, single submitter. Criteria: ACMG Guidelines, 2015. Collection method: clinical testing. Allele origin: germline. Affected: no.

Blueprint Genetics
Classification: Likely benign. Last evaluated: 2022-03-09. Review status: criteria provided, single submitter. Criteria: ACMG Guidelines, 2015. Collection method: clinical testing. Allele origin: germline.

GeneDx
Classification: Likely benign. Last evaluated: 2019-12-31. Review status: criteria provided, single submitter. Criteria: GeneDx Variant Classification Process June 2021. Collection method: clinical testing. Allele origin: germline. Affected: yes.

Laboratory for Molecular Medicine, Mass General Brigham Personalized Medicine
Classification: Likely benign. Last evaluated: 2019-07-09. Review status: criteria provided, single submitter. Criteria: LMM Criteria. Collection method: clinical testing. Allele origin: germline. Observed: 1 variant allele.
Comment: The p.Asp646Asp variant in KCNQ4 is classified as likely benign because it does not alter an amino acid residue, it is not located within the splice consensus sequence, and splice prediction algorithms do not predict a newly created splice site. This variant has also been identified in 0.06% (21/34584) of Latino chromosomes by gnomAD. ACMG/AMP Criteria applied: BP4, BP7, BS1.